The following is an entry in ClinVar:

ClinVar aggregate classification (germline): Pathogenic/Likely pathogenic. Review status: criteria provided, multiple submitters, no conflicts (2 of 4 stars). 3 submissions from 3 submitters: Pathogenic (2); Likely pathogenic (1). Last evaluated 2024-07-11.

Conditions:
Torsion dystonia 6 (DYT6). Also called: DYT-THAP1. Identifiers: Orphanet 98806, MedGen C1414216, MONDO:0011264, OMIM 602629.

Submissions (3):

Institute of Immunology and Genetics Kaiserslautern
Classification: Likely pathogenic for Torsion dystonia 6. Last evaluated: 2024-07-11. Review status: criteria provided, single submitter. Criteria: ACMG Guidelines, 2015. Collection method: clinical testing. Allele origin: germline. Affected: yes.
Comment: ACMG Criteria: PM4, PM2_P, PP1, PP4, PP5; Variant was found in heterozygous state.

CeGaT Center for Human Genetics Tuebingen
Classification: Pathogenic. Last evaluated: 2023-08-01. Review status: criteria provided, single submitter. Criteria: CeGaT Center For Human Genetics Tuebingen Variant Classification Criteria Version 2. Collection method: clinical testing. Allele origin: germline. Affected: yes. Observed: 1 variant allele.
Comment: THAP1: PP1:Strong, PM2, PS4:Moderate, PM4:Supporting, PP4

Labcorp Genetics (formerly Invitae), Labcorp
Classification: Pathogenic for Torsion dystonia 6. Last evaluated: 2018-05-20. Review status: criteria provided, single submitter. Criteria: Invitae Variant Classification Sherloc (09022015). Collection method: clinical testing. Allele origin: germline.
Comment: This variant, c.207_209delCAA, results in the deletion of 1 amino acid of the THAP1 protein (p.Asn69del), but otherwise preserves the integrity of the reading frame. This variant is not present in population databases (ExAC no frequency). This variant has been observed to segregate with early-onset dystonia in a family (PMID: 20687191), and has also been observed in individuals affected with early-onset dystonia (PMID: 21110056, 26275586). Experimental studies and prediction algorithms are not available for this variant, and the functional significance of the deleted amino acid is currently unknown. For these reasons, this variant has been classified as Pathogenic.

Literature cited by the submitters: PubMed 20687191 (cited by Labcorp Genetics (formerly Invitae), Labcorp); PubMed 21110056 (cited by Labcorp Genetics (formerly Invitae), Labcorp); PubMed 26275586 (cited by Labcorp Genetics (formerly Invitae), Labcorp).

NM_018105.3(THAP1):c.201CAA[2] (p.Asn69del)

Gene: THAP1 (THAP domain containing 1; minus strand). Cytogenetic location: 8p11.21.
Variant type: Microsatellite.
Coding change: c.201CAA[2] on transcript NM_018105.3 (MANE Select); two copies in a row of the 3-base unit CAA starting at c.201; the reference has three copies in a row; one copy, 3 bases deleted; also written c.207_209del.
Protein change: p.Asn69del; deletes asparagine 69.
Molecular consequence: inframe deletion. On other transcripts: intron variant (1).
Genome position (GRCh38, 1-based): chr8:42,839,244-42,839,246, TTG deleted on the plus strand (CAA on the coding strand, the reverse complement: THAP1 is on the minus strand); deleting any 3 consecutive bases within chr8:42,839,244-42,839,252 gives the same sequence; the position shown is the placement nearest the transcript's 3' end. VCF-style (leftmost placement, unchanged base first): chr8-42839243-CTTG-C. GRCh37 (hg19) VCF-style: chr8-42694386-CTTG-C.
Other names: c.72-916CAA[2] (NM_199003.2); c.207_209del (NM_018105.3); short protein forms N69del.
Identifiers: ClinVar variation 569769 (VCV000569769.31), dbSNP rs1563644810, ClinGen allele CA891842752.